The following is an entry in ClinVar:

NM_000098.3(CPT2):c.638A>C (p.Asp213Ala)

Gene: CPT2 (carnitine palmitoyltransferase 2; plus strand). Cytogenetic location: 1p32.3.
Variant type: single nucleotide variant.
Coding change: c.638A>C on transcript NM_000098.3 (MANE Select); coding-DNA position 638, A replaced by C.
Protein change: p.Asp213Ala; replaces aspartic acid 213 with alanine.
Molecular consequence: missense variant.
Genome position (GRCh38, 1-based): chr1:53,210,312, A>C. VCF-style: chr1-53210312-A-C. GRCh37 (hg19) VCF-style: chr1-53675984-A-C.
Other names: c.638A>C, p.Asp213Ala (NM_001330589.2); short protein forms D213A.
Identifiers: ClinVar variation 2904999 (VCV002904999.3), dbSNP rs74315300, ClinGen allele CA340393017.
Genomic context (GRCh38, chr1:53,210,312, plus strand): 5'-GCTTTGTGCCTTCCTCTCTGTCCTGGTATGGGGCCTACCTGGTCAATGCGTATCCCCTGG[A>C]TATGTCCCAGTATTTTCGGCTTTTCAACTCAACTCGTTTACCCAAACCCAGTCGGGATGA-3'
Protein context (NP_000089.1, residues 203-223): GAYLVNAYPL[Asp213Ala]MSQYFRLFNS

ClinVar aggregate classification (germline): Likely pathogenic (1 of 4 stars; one submission).

Conditions:
Carnitine palmitoyltransferase II deficiency. Also called: Carnitine Palmitoyltransferase 2 Deficiency. Identifiers: Orphanet 157, MedGen C0342790, MONDO:0015515.

Allele frequency attached by ClinVar (database versions not stated): gnomAD exomes below 0.00001; TOPMed below 0.00001; gnomAD 0.00001.
gnomAD v4.1: 4 of 1,614,002 alleles (0.00025%); highest among the groups gnomAD compares: Non-Finnish European, 0.00034%; no homozygotes.

Submission:

Labcorp Genetics (formerly Invitae), Labcorp
Classification: Likely pathogenic for Carnitine palmitoyltransferase II deficiency. Last evaluated: 2024-02-23. Review status: criteria provided, single submitter. Criteria: Invitae Variant Classification Sherloc (09022015). Collection method: clinical testing. Allele origin: germline.
Comment: This sequence change replaces aspartic acid, which is acidic and polar, with alanine, which is neutral and non-polar, at codon 213 of the CPT2 protein (p.Asp213Ala). This variant is not present in population databases (gnomAD no frequency). This missense change has been observed in individual(s) with clinical features of carnitine palmitoyltransferase II deficiency (Invitae). In at least one individual the data is consistent with being in trans (on the opposite chromosome) from a pathogenic variant. Advanced modeling of protein sequence and biophysical properties (such as structural, functional, and spatial information, amino acid conservation, physicochemical variation, residue mobility, and thermodynamic stability) performed at Invitae indicates that this missense variant is expected to disrupt CPT2 protein function with a positive predictive value of 80%. This variant disrupts the p.Asp213 amino acid residue in CPT2. Other variant(s) that disrupt this residue have been determined to be pathogenic (PMID: 15622536, 34626609). This suggests that this residue is clinically significant, and that variants that disrupt this residue are likely to be disease-causing. In summary, the currently available evidence indicates that the variant is pathogenic, but additional data are needed to prove that conclusively. Therefore, this variant has been classified as Likely Pathogenic.

Literature cited by the submitters: PubMed 15622536; PubMed 34626609.